The following is an entry in ClinVar:

ClinVar aggregate classification (germline): Likely pathogenic. Review status: criteria provided, multiple submitters, no conflicts (2 of 4 stars). 2 submissions from 2 submitters: Likely pathogenic (2). Last evaluated 2022-10-12.

Conditions:
Progressive sclerosing poliodystrophy (MTDPS4A). Also called: NEURONAL DEGENERATION OF CHILDHOOD WITH LIVER DISEASE, PROGRESSIVE; Alpers Syndrome; Alpers-Huttenlocher Syndrome (AHS); ALPERS PROGRESSIVE INFANTILE POLIODYSTROPHY; Mitochondrial DNA Depletion Syndrome 4A; ALPERS DIFFUSE DEGENERATION OF CEREBRAL GRAY MATTER WITH HEPATIC CIRRHOSIS. Identifiers: Orphanet 726, MedGen C0205710, MONDO:0008758, OMIM 203700.

Submissions (2):

Baylor Genetics
Classification: Likely pathogenic for Progressive sclerosing poliodystrophy. Last evaluated: 2022-10-12. Review status: criteria provided, single submitter. Criteria: ACMG Guidelines, 2015. Collection method: clinical testing. Allele origin: unknown.

GeneDx
Classification: Likely pathogenic. Last evaluated: 2019-11-19. Review status: criteria provided, single submitter. Criteria: GeneDx Variant Classification Process June 2021. Collection method: clinical testing. Allele origin: germline. Affected: yes.
Comment: Frameshift variant predicted to result in protein truncation or nonsense mediated decay in a gene for which loss-of-function is a known mechanism of disease; Not observed in large population cohorts (Lek et al., 2016); Has not been previously published as pathogenic or benign to our knowledge

NM_002693.3(POLG):c.3568del (p.Arg1190fs)

Genes: FANCI (FA complementation group I; plus strand), POLG (DNA polymerase gamma, catalytic subunit; minus strand). Cytogenetic location: 15q26.1.
Variant type: Deletion.
Coding change: c.3568del on transcript NM_002693.3 (MANE Select); coding-DNA position 3568, one base deleted (A; older notation c.3568delA).
Protein change: p.Arg1190fs; shifts the reading frame from arginine 1190.
Molecular consequence: frameshift variant.
Genome position (GRCh38, 1-based): chr15:89,317,451, T deleted on the plus strand (A on the coding strand, the reverse complement: POLG is on the minus strand). VCF-style (leftmost placement, unchanged base first): chr15-89317450-CT-C. GRCh37 (hg19) VCF-style: chr15-89860681-CT-C.
Other names: c.3568del, p.Arg1190fs (NM_001126131.2); short protein forms R1190fs.
Identifiers: ClinVar variation 817854 (VCV000817854.3), dbSNP rs1596348470, ClinGen allele CA915946119.